The following is an entry in ClinVar:

ClinVar aggregate classification (germline): Uncertain significance (1 of 4 stars; one submission).

Conditions:
Hereditary cancer-predisposing syndrome. Also called: Neoplastic Syndromes, Hereditary; Tumor predisposition; Hereditary neoplastic syndrome; Hereditary Cancer Syndrome. Identifiers: Orphanet 140162, MedGen C0027672, MeSH D009386, MONDO:0015356.

Submission:

Ambry Genetics
Classification: Uncertain significance for Hereditary cancer-predisposing syndrome. Last evaluated: 2018-11-06. Review status: criteria provided, single submitter. Criteria: Ambry Variant Classification Scheme 2023. Collection method: clinical testing. Allele origin: germline.
Comment: The p.V187A variant (also known as c.560T>C), located in coding exon 5 of the ATM gene, results from a T to C substitution at nucleotide position 560. The valine at codon 187 is replaced by alanine, an amino acid with similar properties. This amino acid position is highly conserved in available vertebrate species. In addition, this alteration is predicted to be tolerated by in silico analysis. Since supporting evidence is limited at this time, the clinical significance of this alteration remains unclear.

NM_000051.4(ATM):c.560T>C (p.Val187Ala)

Gene: ATM (ATM serine/threonine kinase; plus strand). Cytogenetic location: 11q22.3.
Variant type: single nucleotide variant.
Coding change: c.560T>C on transcript NM_000051.4 (MANE Select); coding-DNA position 560, T replaced by C.
Protein change: p.Val187Ala; replaces valine 187 with alanine.
Molecular consequence: missense variant.
Genome position (GRCh38, 1-based): chr11:108,244,016, T>C. VCF-style: chr11-108244016-T-C. GRCh37 (hg19) VCF-style: chr11-108114743-T-C.
Other names: c.560T>C, p.Val187Ala (NM_001351834.2); short protein forms V187A.
Identifiers: ClinVar variation 825850 (VCV000825850.4), dbSNP rs1591500044, ClinGen allele CA382527771.